The following is an entry in ClinVar:

ClinVar aggregate classification (germline): Conflicting classifications of pathogenicity. Review status: criteria provided, conflicting classifications (1 of 4 stars). 5 submissions from 5 submitters: Uncertain significance (4); Likely benign (1). Last evaluated 2025-11-24.

Conditions:
Hereditary cancer-predisposing syndrome. Also called: Tumor predisposition; Neoplastic Syndromes, Hereditary; Hereditary Cancer Syndrome; Hereditary neoplastic syndrome. Identifiers: Orphanet 140162, MedGen C0027672, MeSH D009386, MONDO:0015356.
Mandibular hypoplasia-deafness-progeroid syndrome. Also called: Mandibular hypoplasia, deafness, progeroid features, and lipodystrophy syndrome. Identifiers: Orphanet 363649, MedGen C3715192, MONDO:0014157, OMIM 615381.
POLD1-related polyposis and colorectal cancer syndrome (CRCS10). Also called: Colorectal cancer 10; COLORECTAL CANCER, SUSCEPTIBILITY TO, ON CHROMOSOME 19q; Colorectal cancer, susceptibility to, 10. Identifiers: Orphanet 220460, MedGen C2675481, MONDO:0012953, OMIM 612591.
Immunodeficiency 120. Identifiers: MedGen C5935622, MONDO:0970994, OMIM 620836.

Allele frequency attached by ClinVar (database versions not stated): 1000 Genomes Project 30x 0.00031; gnomAD exomes 0.00001 and 0.00002; ExAC 0.00004; ESP Exome Variant Server 0.00008; 1000 Genomes Project 0.00020; TOPMed 0.00002; gnomAD 0.00003.
gnomAD v4.1: 22 of 1,613,798 alleles (0.0014%); highest among the groups gnomAD compares: African/African-American, 0.004%; no homozygotes.

Submissions (5):

Labcorp Genetics (formerly Invitae), Labcorp
Classification: Uncertain significance for POLD1-related polyposis and colorectal cancer syndrome. Last evaluated: 2025-11-24. Review status: criteria provided, single submitter. Criteria: Invitae Variant Classification Sherloc (09022015). Collection method: clinical testing. Allele origin: germline.
Comment: This sequence change replaces proline, which is neutral and non-polar, with leucine, which is neutral and non-polar, at codon 185 of the POLD1 protein (p.Pro185Leu). This variant is present in population databases (rs370292497, gnomAD 0.008%). This variant has not been reported in the literature in individuals affected with POLD1-related conditions. ClinVar contains an entry for this variant (Variation ID: 537057). Invitae Evidence Modeling of protein sequence and biophysical properties (such as structural, functional, and spatial information, amino acid conservation, physicochemical variation, residue mobility, and thermodynamic stability) indicates that this missense variant is not expected to disrupt POLD1 protein function with a negative predictive value of 80%. In summary, the available evidence is currently insufficient to determine the role of this variant in disease. Therefore, it has been classified as a Variant of Uncertain Significance.

Dasa
Classification: Uncertain significance. Last evaluated: 2025-05-16. Review status: criteria provided, single submitter. Criteria: DASA Assertion Criteria. Collection method: clinical testing. Allele origin: germline.
Comment: NM_002691.4(POLD1):c.554C>T (p.Pro185Leu) is a missense variant that results in the substitution of proline with leucine. This variant is rare in population databases. Computational prediction algorithms are consistent with a benign effect. The currently available literature and clinical evidence are not sufficient to establish a definitive association between this variant and the reported condition. Therefore, this variant is classified as a variant of uncertain significance.

Center for Genomic Medicine, Rigshospitalet, Copenhagen University Hospital
Classification: Uncertain significance. Last evaluated: 2025-03-04. Review status: criteria provided, single submitter. Criteria: ACMG Guidelines, 2015. Collection method: clinical testing. Allele origin: germline.

Ambry Genetics
Classification: Likely benign for Hereditary cancer-predisposing syndrome. Last evaluated: 2025-01-08. Review status: criteria provided, single submitter. Criteria: Ambry Variant Classification Scheme 2023. Collection method: clinical testing. Allele origin: germline.

Fulgent Genetics
Classification: Uncertain significance for POLD1-related polyposis and colorectal cancer syndrome; Mandibular hypoplasia-deafness-progeroid syndrome; Immunodeficiency 120. Last evaluated: 2024-01-02. Review status: criteria provided, single submitter. Criteria: ACMG Guidelines, 2015. Collection method: clinical testing. Allele origin: germline.

NM_002691.4(POLD1):c.554C>T (p.Pro185Leu)

Gene: POLD1 (DNA polymerase delta 1, catalytic subunit; plus strand). Cytogenetic location: 19q13.33.
Variant type: single nucleotide variant.
Coding change: c.554C>T on transcript NM_002691.4 (MANE Select); coding-DNA position 554, C replaced by T.
Protein change: p.Pro185Leu; replaces proline 185 with leucine.
Molecular consequence: missense variant. On other transcripts: non-coding transcript variant (1).
Genome position (GRCh38, 1-based): chr19:50,402,089, C>T. VCF-style: chr19-50402089-C-T. GRCh37 (hg19) VCF-style: chr19-50905346-C-T.
Other names: c.554C>T, p.Pro185Leu (NM_001256849.1, NM_001308632.1); c.554C>T (NM_002691.2); short protein forms P185L.
Identifiers: ClinVar variation 537057 (VCV000537057.15), dbSNP rs370292497, ClinGen allele CA9595791.